The following is an entry in ClinVar:

ClinVar aggregate classification (germline): Conflicting classifications of pathogenicity. Review status: criteria provided, conflicting classifications (1 of 4 stars). 2 submissions from 2 submitters: Uncertain significance (1); Likely benign (1). Last evaluated 2019-12-27.

Conditions:
Cardiovascular phenotype. Identifiers: MedGen CN230736.

Allele frequency attached by ClinVar (database versions not stated): ExAC 0.00001; TOPMed 0.00003; gnomAD 0.00004 and 0.00005; ESP Exome Variant Server 0.00017.
gnomAD v4.1: 12 of 1,607,900 alleles (0.00075%); highest among the groups gnomAD compares: African/African-American, 0.011%; no homozygotes.

Submissions (2):

Ambry Genetics
Classification: Uncertain significance for Cardiovascular phenotype. Last evaluated: 2019-12-27. Review status: criteria provided, single submitter. Criteria: Ambry Variant Classification Scheme 2023. Collection method: clinical testing. Allele origin: germline.
Comment: The p.T23065M variant (also known as c.69194C>T), located in coding exon 174 of the TTN gene, results from a C to T substitution at nucleotide position 69194. The threonine at codon 23065 is replaced by methionine, an amino acid with similar properties. This amino acid position is not well conserved in available vertebrate species. In addition, this alteration is predicted to be tolerated by in silico analysis. Since supporting evidence is limited at this time, the clinical significance of this alteration remains unclear.

GeneDx
Classification: Likely benign. Last evaluated: 2018-05-01. Review status: criteria provided, single submitter. Criteria: GeneDx Variant Classification (06012015). Collection method: clinical testing. Allele origin: germline. Affected: yes.
Comment: This variant is considered likely benign or benign based on one or more of the following criteria: it is a conservative change, it occurs at a poorly conserved position in the protein, it is predicted to be benign by multiple in silico algorithms, and/or has population frequency not consistent with disease.

NM_001267550.2(TTN):c.96389C>T (p.Thr32130Met)

Genes: TTN (titin; minus strand), TTN-AS1 (TTN antisense RNA 1; plus strand), LOC126806421 (CDK7 strongly-dependent group 2 enhancer GRCh37_chr2:179407630-179408829; plus strand). Cytogenetic location: 2q31.2.
Variant type: single nucleotide variant.
Coding change: c.96389C>T on transcript NM_001267550.2 (MANE Select); coding-DNA position 96389, C replaced by T.
Protein change: p.Thr32130Met; replaces threonine 32130 with methionine.
Molecular consequence: missense variant.
Genome position (GRCh38, 1-based): chr2:178,543,584, G>A on the plus strand (C>T on the coding strand, the complement: TTN is on the minus strand). VCF-style: chr2-178543584-G-A. GRCh37 (hg19) VCF-style: chr2-179408311-G-A.
Other names: c.91466C>T, p.Thr30489Met (NM_001256850.1); c.69194C>T, p.Thr23065Met (NM_003319.4); c.88685C>T, p.Thr29562Met (NM_133378.4); c.69569C>T, p.Thr23190Met (NM_133432.3); c.69770C>T, p.Thr23257Met (NM_133437.4); short protein forms T23065M, T23190M, T29562M, T32130M, T23257M, T30489M.
Identifiers: ClinVar variation 682469 (VCV000682469.3), dbSNP rs368998895, ClinGen allele CA1986757.
Genomic context (GRCh38, chr2:178,543,584, plus strand): 5'-CTCATAGCAGCTTCACGCTTCTCAACGATGTAATTGTTGACTGGAGCTCCACCATCAATC[G>A]TGGGAATTTCCCAAGTTATAGTCACAGAATCTCTTGATACTTCCTTAACTTTCACTGAAG-3'
Protein context (NP_001254479.2, residues 32120-32140): DSVTITWEIP[Thr32130Met]IDGGAPVNNY